The following is an entry in ClinVar:

NM_000218.3(KCNQ1):c.939C>T (p.Ile313=)

Gene: KCNQ1 (potassium voltage-gated channel subfamily Q member 1; plus strand). Cytogenetic location: 11p15.5.
Variant type: single nucleotide variant.
Coding change: c.939C>T on transcript NM_000218.3 (MANE Select); coding-DNA position 939, C replaced by T.
Protein change: p.Ile313=; no amino-acid change (isoleucine 313 retained).
Molecular consequence: synonymous variant.
Genome position (GRCh38, 1-based): chr11:2,583,452, C>T. VCF-style: chr11-2583452-C-T. GRCh37 (hg19) VCF-style: chr11-2604682-C-T.
Other names: c.939C>T, p.Ile313= (NM_001406836.1); c.669C>T, p.Ile223= (NM_001406837.1); c.495C>T, p.Ile165= (NM_001406838.1); c.558C>T, p.Ile186= (NM_181798.2).
Identifiers: ClinVar variation 628471 (VCV000628471.16), dbSNP rs199472747, ClinGen allele CA041764.

ClinVar aggregate classification (germline): Likely benign. Review status: criteria provided, multiple submitters, no conflicts (2 of 4 stars). 4 submissions from 4 submitters: Likely benign (4). Last evaluated 2023-04-27.

Conditions:
Cardiac arrhythmia. Also called: Cardiac rhythm disease; Arrhythmia. Identifiers: MedGen C0003811, MONDO:0007263, HP:0011675.
Long QT syndrome (LQTS). Identifiers: MedGen C0023976, MeSH D008133, MONDO:0002442. Disease mechanism: loss of function. Inheritance: Various modes of inheritance.
Cardiovascular phenotype. Identifiers: MedGen CN230736.

Allele frequency attached by ClinVar (database versions not stated): TOPMed below 0.00001; gnomAD 0.00001 and 0.00002; gnomAD exomes 0.00001 and 0.00002; ExAC 0.00003; ESP Exome Variant Server 0.00008.
gnomAD v4.1: 16 of 1,613,268 alleles (0.00099%); highest among the groups gnomAD compares: South Asian, 0.0066%; no homozygotes.

Submissions (4):

All of Us Research Program, National Institutes of Health
Classification: Likely benign for Long QT syndrome. Last evaluated: 2023-04-27. Review status: criteria provided, single submitter. Criteria: ACMG Guidelines, 2015. Collection method: clinical testing. Allele origin: germline. Inheritance: Autosomal dominant inheritance. Observed: 1 variant allele, 1 heterozygote.
Comment: This study involves interpretation of variants in research participants for the purpose of population health screening. Participant phenotype was not available at the time of variant classification. Additional details can be found in publication PMID: 35346344, PMCID: PMC8962531

Labcorp Genetics (formerly Invitae), Labcorp
Classification: Likely benign for Long QT syndrome. Last evaluated: 2023-03-26. Review status: criteria provided, single submitter. Criteria: Invitae Variant Classification Sherloc (09022015). Collection method: clinical testing. Allele origin: germline.

Ambry Genetics
Classification: Likely benign for Cardiovascular phenotype. Last evaluated: 2021-09-21. Review status: criteria provided, single submitter. Criteria: Ambry Variant Classification Scheme 2023. Collection method: clinical testing. Allele origin: germline.

Color Diagnostics, LLC DBA Color Health
Classification: Likely benign for Arrhythmia. Last evaluated: 2018-05-29. Review status: criteria provided, single submitter. Criteria: ACMG Guidelines, 2015. Collection method: clinical testing. Allele origin: germline.